The following is an entry in ClinVar:

ClinVar aggregate classification (germline): Conflicting classifications of pathogenicity. Review status: criteria provided, conflicting classifications (1 of 4 stars). 16 submissions from 16 submitters: Uncertain significance (10); Likely benign (3). 3 of the submissions do not count toward it. Last evaluated 2026-09-16.

Conditions:
PKP2-related disorder. Also called: PKP2-related condition.
Cardiovascular phenotype. Identifiers: MedGen CN230736.
Cardiomyopathy (CMYO). Also called: Cardiomyopathies. Identifiers: Orphanet 167848, MedGen C0878544, MONDO:0004994, HP:0001638. Inheritance: Various modes of inheritance.
Arrhythmogenic right ventricular cardiomyopathy (ARVD). Also called: Arrhythmogenic right ventricular dysplasia; Cardiomyopathy, ARVC; Arrhythmogenic Right Ventricular Cardiomyopathy (ARVC); Arrhythmogenic cardiomyopathy. Identifiers: Orphanet 247, MedGen C0349788, MeSH D019571, MONDO:0016587. Disease mechanism: loss of function. Inheritance: Various modes of inheritance.
Arrhythmogenic right ventricular dysplasia 9 (ARVD9). Also called: Arrhythmogenic Right Ventricular Dysplasia/Cardiomyopathy 9; ARRHYTHMOGENIC RIGHT VENTRICULAR DYSPLASIA, FAMILIAL, 9. Identifiers: MedGen C1836906, MONDO:0012180, OMIM 609040.
Primary dilated cardiomyopathy (DCM). Also called: Dilated Cardiomyopathy. Identifiers: Orphanet 217604, MedGen C0007193, MeSH D002311, MONDO:0005021, HP:0001644. Inheritance: Various modes of inheritance.

Allele frequency attached by ClinVar (database versions not stated): ExAC 0.00003; gnomAD 0.00003 and 0.00004; TOPMed 0.00003; gnomAD exomes 0.00005 and 0.00006; ESP Exome Variant Server 0.00008.
gnomAD v4.1: 79 of 1,613,980 alleles (0.0049%); highest among the groups gnomAD compares: Middle Eastern, 0.2%; no homozygotes.

Submissions (16):

PreventionGenetics, part of Exact Sciences
Classification: Uncertain significance for PKP2-related condition. Last evaluated: 2026-09-16. Review status: criteria provided, single submitter. Criteria: ACMG Guidelines, 2015. Collection method: clinical testing. Allele origin: germline.
Comment: The PKP2 c.464G>C variant is predicted to result in the amino acid substitution p.Ser155Thr. This variant has been reported in an individual with arrhythmogenic right ventricular cardiomyopathy; however, the individual also harbored another variant in PKP2 which could explain the clinical features (Supplementary Table 5, Nagyova et al. 2023. PubMed ID: 37418234). This variant has also been reported in a cohort of individuals with dilated cardiomyopathy (Supplementary Table 2b, Al-Shafai et al. 2021. PubMed ID: 34137518). This variant is reported in 0.0085% of alleles in individuals of Latino descent in gnomAD. At this time, the clinical significance of this variant is uncertain due to the absence of conclusive functional and genetic evidence.

Molecular Diagnostic Laboratory for Inherited Cardiovascular Disease, Montreal Heart Institute
Classification: Likely benign. Last evaluated: 2026-03-27. Review status: criteria provided, single submitter. Criteria: ACMG Guidelines, 2015. Collection method: clinical testing. Allele origin: germline. Affected: no.
Comment: BS1, BP4

Color Diagnostics, LLC DBA Color Health
Classification: Uncertain significance for Cardiomyopathy. Last evaluated: 2025-02-24. Review status: criteria provided, single submitter. Criteria: ACMG Guidelines, 2015. Collection method: clinical testing. Allele origin: germline.
Comment: This missense variant replaces serine with threonine at codon 155 of the PKP2 protein. Computational prediction suggests that this variant may not impact protein structure and function. To our knowledge, functional studies have not been reported for this variant. This variant has been reported in an individual affected with arrhythmogenic right ventricular cardiomyopathy; this individual also carried an additional likely pathogenic splice variant in the same gene (PMID: 37418234). This variant has also been reported in an individual affected with dilated cardiomyopathy (PMID: 34137518). This variant has been identified in 15/282824 chromosomes in the general population by the Genome Aggregation Database (gnomAD). The available evidence is insufficient to determine the role of this variant in disease conclusively. Therefore, this variant is classified as a Variant of Uncertain Significance.

Labcorp Genetics (formerly Invitae), Labcorp
Classification: Uncertain significance for Arrhythmogenic right ventricular dysplasia 9. Last evaluated: 2025-01-30. Review status: criteria provided, single submitter. Criteria: Invitae Variant Classification Sherloc (09022015). Collection method: clinical testing. Allele origin: germline.
Comment: This sequence change replaces serine, which is neutral and polar, with threonine, which is neutral and polar, at codon 155 of the PKP2 protein (p.Ser155Thr). This variant is present in population databases (rs141438322, gnomAD 0.009%). This variant has not been reported in the literature in individuals affected with PKP2-related conditions. ClinVar contains an entry for this variant (Variation ID: 45079). An algorithm developed to predict the effect of missense changes on protein structure and function (PolyPhen-2) suggests that this variant is likely to be disruptive. In summary, the available evidence is currently insufficient to determine the role of this variant in disease. Therefore, it has been classified as a Variant of Uncertain Significance.

Blueprint Genetics
Classification: Likely benign. Last evaluated: 2024-11-14. Review status: criteria provided, single submitter. Criteria: ACMG Guidelines, 2015. Collection method: clinical testing. Allele origin: germline.

All of Us Research Program, National Institutes of Health
Classification: Uncertain significance for Arrhythmogenic right ventricular cardiomyopathy. Last evaluated: 2024-01-11. Review status: criteria provided, single submitter. Criteria: ACMG Guidelines, 2015. Collection method: clinical testing. Allele origin: germline. Inheritance: Autosomal dominant inheritance. Observed: 25 variant alleles, 25 heterozygotes.
Comment: This missense variant replaces serine with threonine at codon 155 of the PKP2 protein. Computational prediction suggests that this variant may not impact protein structure and function (internally defined REVEL score threshold <= 0.5, PMID: 27666373). To our knowledge, functional studies have not been reported for this variant. This variant has not been reported in individuals affected with PKP2-related cardiovascular disorders in the literature. This variant has been identified in 15/282824 chromosomes in the general population by the Genome Aggregation Database (gnomAD). The available evidence is insufficient to determine the role of this variant in disease conclusively. Therefore, this variant is classified as a Variant of Uncertain Significance.

This study involves interpretation of variants in research participants for the purpose of population health screening. Participant phenotype was not available at the time of variant classification. Additional details can be found in publication PMID: 35346344, PMCID: PMC8962531

Ambry Genetics
Classification: Uncertain significance for Cardiovascular phenotype. Last evaluated: 2022-08-15. Review status: criteria provided, single submitter. Criteria: Ambry Variant Classification Scheme 2023. Collection method: clinical testing. Allele origin: germline.

Department of Pathology and Laboratory Medicine, Sinai Health System
Classification: Uncertain significance for Arrhythmogenic right ventricular dysplasia 9. Last evaluated: 2022-06-28. Review status: criteria provided, single submitter. Criteria: ACMG Guidelines, 2015. Collection method: research. Allele origin: germline.

Revvity Omics, Revvity
Classification: Uncertain significance for Arrhythmogenic right ventricular dysplasia 9. Last evaluated: 2021-12-21. Review status: criteria provided, single submitter. Criteria: ACMG Guidelines, 2015. Collection method: clinical testing. Allele origin: germline.

GeneDx
Classification: Likely benign. Last evaluated: 2020-12-10. Review status: criteria provided, single submitter. Criteria: GeneDx Variant Classification Process June 2021. Collection method: clinical testing. Allele origin: germline. Affected: yes.
Comment: This variant is associated with the following publications: (PMID: 23861362)

Laboratory for Molecular Medicine, Mass General Brigham Personalized Medicine
Classification: Uncertain significance. Last evaluated: 2015-04-29. Review status: criteria provided, single submitter. Criteria: LMM Criteria. Collection method: clinical testing. Allele origin: germline. Observed: 2 variant alleles.
Comment: It has also been identified in 2/66652 European chromosomes and 2/11576 Lat ino chromosomes by the Exome Aggregation Consortium (ExAC; dbSNP rs141438322). Computational prediction tools and evolutionary c onservation analyses suggest that this variant may not impact the protein, thoug h this information is not predictive enough to rule out pathogenicity. In summar y, the clinical significance of the p.Ser155Thr variant is uncertain.

Biesecker Lab/Clinical Genomics Section, National Institutes of Health
Classification: Uncertain significance. Last evaluated: 2013-06-24. Review status: criteria provided, single submitter. Criteria: Ng et al. (Circ Cardiovasc Genet. 2013). Collection method: research. Allele origin: unknown. Observed: 1 variant allele. Study: ClinSeq.
Comment: The study set was not selected for affection status in relation to any cancer. Pathogenicity categories were based on literature curation. See Pubmed ID:23861362 for details.

Medical sequencing

Genetics and Genomics Program, Sidra Medicine
Classification: Uncertain significance for Primary dilated cardiomyopathy. Review status: criteria provided, single submitter. Criteria: ACMG Guidelines, 2015. Collection method: research. Allele origin: unknown. Affected: yes. Observed: 1 variant allele.

Clinical Genetics DNA and cytogenetics Diagnostics Lab, Erasmus MC, Erasmus Medical Center
Classification: Uncertain significance. Review status: no assertion criteria provided. Collection method: clinical testing. Allele origin: germline. Affected: yes. Study: VKGL Data-share Consensus. Not counted in ClinVar's aggregate classification.

Diagnostic Laboratory, Department of Genetics, University Medical Center Groningen
Classification: Uncertain significance. Review status: no assertion criteria provided. Collection method: clinical testing. Allele origin: germline. Affected: yes. Study: VKGL Data-share Consensus. Not counted in ClinVar's aggregate classification.

Genome Diagnostics Laboratory, University Medical Center Utrecht
Classification: Uncertain significance. Review status: no assertion criteria provided. Collection method: clinical testing. Allele origin: germline. Affected: yes. Study: VKGL Data-share Consensus. Not counted in ClinVar's aggregate classification.

Literature cited by the submitters: PubMed 34137518 (cited by Color Diagnostics, LLC DBA Color Health); PubMed 37418234 (cited by Color Diagnostics, LLC DBA Color Health).

NM_001005242.3(PKP2):c.464G>C (p.Ser155Thr)

Gene: PKP2 (plakophilin 2; minus strand). Cytogenetic location: 12p11.21.
Variant type: single nucleotide variant.
Coding change: c.464G>C on transcript NM_001005242.3 (MANE Select); coding-DNA position 464, G replaced by C.
Protein change: p.Ser155Thr; replaces serine 155 with threonine.
Molecular consequence: missense variant.
Genome position (GRCh38, 1-based): chr12:32,878,416, C>G on the plus strand (G>C on the coding strand, the complement: PKP2 is on the minus strand). VCF-style: chr12-32878416-C-G. GRCh37 (hg19) VCF-style: chr12-33031350-C-G.
Other names: c.464G>C, p.Ser155Thr (NM_004572.4); short protein forms S155T.
Identifiers: ClinVar variation 45079 (VCV000045079.37), dbSNP rs141438322, ClinGen allele CA012338.